The following is an entry in ClinVar:

NM_005204.4(MAP3K8):c.1242G>T (p.Arg414Ser)

Gene: MAP3K8 (mitogen-activated protein kinase kinase kinase 8; plus strand). Cytogenetic location: 10p11.23.
Variant type: single nucleotide variant.
Coding change: c.1242G>T on transcript NM_005204.4 (MANE Select); coding-DNA position 1242, G replaced by T.
Protein change: p.Arg414Ser; replaces arginine 414 with serine.
Molecular consequence: missense variant.
Genome position (GRCh38, 1-based): chr10:30,459,470, G>T. VCF-style: chr10-30459470-G-T. GRCh37 (hg19) VCF-style: chr10-30748399-G-T.
Other names: c.1242G>T, p.Arg414Ser (NM_001244134.1, NM_001320961.2); short protein forms R414S.
Identifiers: ClinVar variation 3659624 (VCV003659624.2).
Genomic context (GRCh38, chr10:30,459,470, plus strand): 5'-TCAGCCACGCTGTCAGAGTCTGGACTCTGCCCTCTTGGAGCGCAAGAGGCTGCTGAGTAG[G>T]AAGGAGCTGGAACTTCCTGAGAACATTGCTGGTAGGGACACCCTGCTGTGTGCCGCACAC-3'
Protein context (NP_005195.2, residues 404-424): ALLERKRLLS[Arg414Ser]KELELPENIA

ClinVar aggregate classification (germline): Uncertain significance (1 of 4 stars; one submission).

Submission:

Labcorp Genetics (formerly Invitae), Labcorp
Classification: Uncertain significance. Last evaluated: 2024-07-16. Review status: criteria provided, single submitter. Criteria: Invitae Variant Classification Sherloc (09022015). Collection method: clinical testing. Allele origin: germline.
Comment: This sequence change replaces arginine, which is basic and polar, with serine, which is neutral and polar, at codon 414 of the MAP3K8 protein (p.Arg414Ser). This variant is not present in population databases (gnomAD no frequency). This variant has not been reported in the literature in individuals affected with MAP3K8-related conditions. An algorithm developed to predict the effect of missense changes on protein structure and function (PolyPhen-2) suggests that this variant is likely to be tolerated. Algorithms developed to predict the effect of sequence changes on RNA splicing suggest that this variant may create or strengthen a splice site. In summary, the available evidence is currently insufficient to determine the role of this variant in disease. Therefore, it has been classified as a Variant of Uncertain Significance.